The following is an entry in ClinVar:

ClinVar aggregate classification (germline): Uncertain significance. Review status: criteria provided, multiple submitters, no conflicts (2 of 4 stars). 4 submissions from 4 submitters: Uncertain significance (3). 1 of the submissions does not count toward it. Last evaluated 2022-07-06.

Conditions:
Cardiomyopathy (CMYO). Also called: Cardiomyopathies. Identifiers: Orphanet 167848, MedGen C0878544, MONDO:0004994, HP:0001638. Inheritance: Various modes of inheritance.
Becker muscular dystrophy (BMD). Also called: MUSCULAR DYSTROPHY, PSEUDOHYPERTROPHIC PROGRESSIVE, BECKER TYPE; Becker Muscular Dystrophy (BMD). Identifiers: Orphanet 98895, MedGen C0917713, MONDO:0010311, OMIM 300376.
Duchenne muscular dystrophy (DMD). Also called: Duchenne Muscular Dystrophy (DMD); MUSCULAR DYSTROPHY, PSEUDOHYPERTROPHIC PROGRESSIVE, DUCHENNE TYPE. Identifiers: Orphanet 98896, MedGen C0013264, MONDO:0010679, OMIM 310200.
Dystrophin deficiency.

Allele frequency attached by ClinVar (database versions not stated): gnomAD exomes below 0.00001.
gnomAD v4.1: 1 of 1,208,173 alleles (0.000083%); highest among the groups gnomAD compares: Admixed American, 0.0022%; no homozygotes.

Submissions (4):

Labcorp Genetics (formerly Invitae), Labcorp
Classification: Uncertain significance for Duchenne muscular dystrophy. Last evaluated: 2022-07-06. Review status: criteria provided, single submitter. Criteria: Invitae Variant Classification Sherloc (09022015). Collection method: clinical testing. Allele origin: germline.
Comment: Algorithms developed to predict the effect of missense changes on protein structure and function (SIFT, PolyPhen-2, Align-GVGD) all suggest that this variant is likely to be tolerated. ClinVar contains an entry for this variant (Variation ID: 288626). This missense change has been observed in individual(s) with clinical features of DMD-related conditions (PMID: 21520333). This variant is not present in population databases (gnomAD no frequency). This sequence change replaces threonine, which is neutral and polar, with alanine, which is neutral and non-polar, at codon 1260 of the DMD protein (p.Thr1260Ala). In summary, the available evidence is currently insufficient to determine the role of this variant in disease. Therefore, it has been classified as a Variant of Uncertain Significance.

Revvity Omics, Revvity
Classification: Uncertain significance. Last evaluated: 2019-07-17. Review status: criteria provided, single submitter. Criteria: ACMG Guidelines, 2015. Collection method: clinical testing. Allele origin: germline.

Eurofins Ntd Llc (ga)
Classification: Uncertain significance. Last evaluated: 2016-06-08. Review status: criteria provided, single submitter. Criteria: EGL Classification Definitions 2015. Collection method: clinical testing. Allele origin: germline. Observed: 1 variant allele, 1 heterozygote.

Natera, Inc.
Classification: Uncertain significance for Becker muscular dystrophy; Cardiomyopathy; Duchenne muscular dystrophy; Dystrophin deficiency. Last evaluated: 2021-03-31. Review status: no assertion criteria provided. Collection method: clinical testing. Allele origin: germline. Not counted in ClinVar's aggregate classification.

Literature cited by the submitters: PubMed 21520333 (cited by Labcorp Genetics (formerly Invitae), Labcorp).

NM_004006.3(DMD):c.3778A>G (p.Thr1260Ala)

Gene: DMD (dystrophin; minus strand). Cytogenetic location: Xp21.1.
Variant type: single nucleotide variant.
Coding change: c.3778A>G on transcript NM_004006.3 (MANE Select); coding-DNA position 3778, A replaced by G.
Protein change: p.Thr1260Ala; replaces threonine 1260 with alanine.
Molecular consequence: missense variant.
Genome position (GRCh38, 1-based): chrX:32,448,464, T>C on the plus strand (A>G on the coding strand, the complement: DMD is on the minus strand). VCF-style: chrX-32448464-T-C. GRCh37 (hg19) VCF-style: chrX-32466581-T-C.
Other names: c.3754A>G, p.Thr1252Ala (NM_000109.4); c.3766A>G, p.Thr1256Ala (NM_004009.3); c.3409A>G, p.Thr1137Ala (NM_004010.3); short protein forms T1260A, T1137A, T1252A, T1256A.
Identifiers: ClinVar variation 288626 (VCV000288626.17), dbSNP rs886043957, ClinGen allele CA10606161.
Genomic context (GRCh38, chrX:32,448,464, plus strand): 5'-ATATGACCATGTATTGACATATCATTGACAAAGACCAAGAAAAGCAACTGACTTCCAAAG[T>C]CTTGCATTTCCCATTCAGCCTAGTGCAGAGCCACTGGTAGTTGGTGGTTAGAGTTTCAAG-3'
Protein context (NP_003997.2, residues 1250-1270): LCTRLNGKCK[Thr1260Ala]LEEVWACWHE